The following is an entry in ClinVar:

NM_001199107.2(TBC1D24):c.470G>T (p.Arg157Leu)

Gene: TBC1D24 (TBC1 domain family member 24; plus strand). Cytogenetic location: 16p13.3.
Variant type: single nucleotide variant.
Coding change: c.470G>T on transcript NM_001199107.2 (MANE Select); coding-DNA position 470, G replaced by T.
Protein change: p.Arg157Leu; replaces arginine 157 with leucine.
Molecular consequence: missense variant.
Genome position (GRCh38, 1-based): chr16:2,496,618, G>T. VCF-style: chr16-2496618-G-T. GRCh37 (hg19) VCF-style: chr16-2546619-G-T.
Other names: c.470G>T, p.Arg157Leu (NM_020705.3); short protein forms R157L.
Identifiers: ClinVar variation 3252541 (VCV003252541.1), dbSNP rs1301489148.

ClinVar aggregate classification (germline): Uncertain significance (1 of 4 stars; one submission).

gnomAD v4.1: 3 of 1,611,236 alleles (0.00019%); highest among the groups gnomAD compares: Non-Finnish European, 0.00025%; no homozygotes.

Submission:

GeneDx
Classification: Uncertain significance. Last evaluated: 2018-09-14. Review status: criteria provided, single submitter. Criteria: GeneDx Variant Classification Process June 2021. Collection method: clinical testing. Allele origin: germline. Affected: yes.
Comment: Not observed at significant frequency in large population cohorts (gnomAD); In silico analysis indicates that this missense variant does not alter protein structure/function; Has not been previously published as pathogenic or benign to our knowledge